The following is an entry in ClinVar:

ClinVar aggregate classification (germline): Uncertain significance. Review status: criteria provided, multiple submitters, no conflicts (2 of 4 stars). 2 submissions from 2 submitters: Uncertain significance (2). Last evaluated 2026-08-14.

Conditions:
NCOA1-related disorder. Also called: NCOA1-related condition.

Allele frequency attached by ClinVar (database versions not stated): TOPMed below 0.00001; gnomAD 0.00001.
gnomAD v4.1: 36 of 1,605,064 alleles (0.0022%); highest among the groups gnomAD compares: African/African-American, 0.004%; no homozygotes.

Submissions (2):

PreventionGenetics, part of Exact Sciences
Classification: Uncertain significance for NCOA1-related condition. Last evaluated: 2026-08-14. Review status: criteria provided, single submitter. Criteria: ACMG Guidelines, 2015. Collection method: clinical testing. Allele origin: germline.
Comment: The NCOA1 c.1205G>A variant is predicted to result in the amino acid substitution p.Arg402His. To our knowledge, this variant has not been reported in the literature. This variant is reported in 0.0067% of alleles in individuals of South Asian descent in gnomAD. At this time, the clinical significance of this variant is uncertain due to the absence of conclusive functional and genetic evidence.

Ambry Genetics
Classification: Uncertain significance. Last evaluated: 2023-05-30. Review status: criteria provided, single submitter. Criteria: Ambry Variant Classification Scheme 2023. Collection method: clinical testing. Allele origin: germline.

NM_003743.5(NCOA1):c.1205G>A (p.Arg402His)

Gene: NCOA1 (nuclear receptor coactivator 1; plus strand). Cytogenetic location: 2p23.3.
Variant type: single nucleotide variant.
Coding change: c.1205G>A on transcript NM_003743.5 (MANE Select); coding-DNA position 1205, G replaced by A.
Protein change: p.Arg402His; replaces arginine 402 with histidine.
Molecular consequence: missense variant.
Genome position (GRCh38, 1-based): chr2:24,706,675, G>A. VCF-style: chr2-24706675-G-A. GRCh37 (hg19) VCF-style: chr2-24929544-G-A.
Other names: c.1205G>A, p.Arg402His (NM_001362950.1, NM_001362952.1, NM_001362954.1 and 3 more transcripts); short protein forms R402H.
Identifiers: ClinVar variation 2519509 (VCV002519509.6), dbSNP rs770891804, ClinGen allele CA1552210.